The following is an entry in ClinVar:

ClinVar aggregate classification (germline): Benign/Likely benign. Review status: criteria provided, multiple submitters, no conflicts (2 of 4 stars). 10 submissions from 10 submitters: Benign (4); Likely benign (4). 2 of the submissions do not count toward it. Last evaluated 2026-07-16.

Conditions:
Hereditary cancer-predisposing syndrome. Also called: Tumor predisposition; Neoplastic Syndromes, Hereditary; Hereditary neoplastic syndrome; Hereditary Cancer Syndrome. Identifiers: Orphanet 140162, MedGen C0027672, MeSH D009386, MONDO:0015356.
Rhabdoid tumor predisposition syndrome 2 (RTPS2). Identifiers: Orphanet 231108, Orphanet 69077, MedGen C2750074, MONDO:0013224, OMIM 613325.
Coffin-Siris syndrome. Identifiers: Orphanet 1465, MedGen C0265338, MONDO:0015452.
Intellectual disability, autosomal dominant 16 (CSS4). Also called: COFFIN-SIRIS SYNDROME 4. Identifiers: Orphanet 1465, MedGen C3553249, MONDO:0013821, OMIM 614609.

Allele frequency attached by ClinVar (database versions not stated): ExAC 0.00031; gnomAD 0.00040 and 0.00047; ESP Exome Variant Server 0.00062; gnomAD exomes 0.00034 and 0.00055; TOPMed 0.00044.
gnomAD v4.1: 856 of 1,603,722 alleles (0.053%); highest among the groups gnomAD compares: Non-Finnish European, 0.069%; no homozygotes.

Submissions (10):

Myriad Genetics, Inc.
Classification: Benign for Rhabdoid tumor predisposition syndrome 2. Last evaluated: 2026-07-16. Review status: criteria provided, single submitter. Criteria: Myriad Autosomal Dominant, Autosomal Recessive and X-Linked Classification Criteria (2023). Collection method: clinical testing. Allele origin: unknown.
Comment: This variant is considered benign. This variant is intronic and is not expected to impact mRNA splicing. This variant has been observed at a population frequency that is significantly greater than expected given the associated disease prevalence and penetrance.

Labcorp Genetics (formerly Invitae), Labcorp
Classification: Benign for Rhabdoid tumor predisposition syndrome 2. Last evaluated: 2026-01-27. Review status: criteria provided, single submitter. Criteria: Invitae Variant Classification Sherloc (09022015). Collection method: clinical testing. Allele origin: germline.

CeGaT Center for Human Genetics Tuebingen
Classification: Likely benign. Last evaluated: 2024-11-01. Review status: criteria provided, single submitter. Criteria: CeGaT Center For Human Genetics Tuebingen Variant Classification Criteria Version 2. Collection method: clinical testing. Allele origin: germline. Affected: yes. Observed: 1 variant allele.
Comment: SMARCA4: BP4, BS2

Blueprint Genetics
Classification: Likely benign. Last evaluated: 2024-10-17. Review status: criteria provided, single submitter. Criteria: ACMG Guidelines, 2015. Collection method: clinical testing. Allele origin: germline.

Genome-Nilou Lab
Classification: Benign for Intellectual disability, autosomal dominant 16. Last evaluated: 2021-07-15. Review status: criteria provided, single submitter. Criteria: ACMG Guidelines, 2015. Collection method: clinical testing. Allele origin: germline. Affected: no.

GeneDx
Classification: Likely benign. Last evaluated: 2020-11-08. Review status: criteria provided, single submitter. Criteria: GeneDx Variant Classification Process June 2021. Collection method: clinical testing. Allele origin: germline. Affected: yes.

Sema4
Classification: Likely benign for Hereditary cancer-predisposing syndrome. Last evaluated: 2020-10-06. Review status: criteria provided, single submitter. Criteria: Sema4 Curation Guidelines. Collection method: curation. Allele origin: germline.

Illumina Laboratory Services, Illumina
Classification: Benign for Coffin-Siris syndrome. Last evaluated: 2018-01-12. Review status: criteria provided, single submitter. Criteria: ICSL Variant Classification Criteria 13 December 2019. Collection method: clinical testing. Allele origin: germline.
Comment: This variant was observed in the ICSL laboratory as part of a predisposition screen in an ostensibly healthy population. It had not been previously curated by ICSL or reported in the Human Gene Mutation Database (HGMD: prior to June 1st, 2018), and was therefore a candidate for classification through an automated scoring system. Utilizing variant allele frequency, disease prevalence and penetrance estimates, and inheritance mode, an automated score was calculated to assess if this variant is too frequent to cause the disease. Based on the score and internal cut-off values, a variant classified as benign is not then subjected to further curation. The score for this variant resulted in a classification of benign for this disease.

Diagnostic Laboratory, Department of Genetics, University Medical Center Groningen
Classification: Likely benign. Review status: no assertion criteria provided. Collection method: clinical testing. Allele origin: germline. Affected: yes. Study: VKGL Data-share Consensus. Not counted in ClinVar's aggregate classification.

Laboratory of Diagnostic Genome Analysis, Leiden University Medical Center (LUMC)
Classification: Likely benign. Review status: no assertion criteria provided. Collection method: clinical testing. Allele origin: germline. Affected: yes. Study: VKGL Data-share Consensus. Not counted in ClinVar's aggregate classification.

NM_003072.5(SMARCA4):c.4171-13A>G

Gene: SMARCA4 (SWI/SNF related BAF chromatin remodeling complex subunit ATPase 4; plus strand). Cytogenetic location: 19p13.2.
Variant type: single nucleotide variant.
Coding change: c.4171-13A>G on transcript NM_003072.5 (MANE Select); 13 bases into the intron before coding-DNA position 4171, A replaced by G.
Molecular consequence: intron variant.
Genome position (GRCh38, 1-based): chr19:11,041,294, A>G. VCF-style: chr19-11041294-A-G. GRCh37 (hg19) VCF-style: chr19-11151970-A-G.
Other names: c.4171-13A>G (NM_001128844.3); c.4267-13A>G (NM_001128849.3, NM_001387283.1); c.4072-13A>G (NM_001128847.4, NM_001374457.1, NM_001128848.2); c.4072-4A>G (NM_001128845.2, NM_001128846.2).
Identifiers: ClinVar variation 328038 (VCV000328038.42), dbSNP rs201298366, ClinGen allele CA9204669.